The following is an entry in ClinVar:

NM_000744.7(CHRNA4):c.1207C>T (p.Pro403Ser)

Gene: CHRNA4 (cholinergic receptor nicotinic alpha 4 subunit; minus strand). Cytogenetic location: 20q13.33.
Variant type: single nucleotide variant.
Coding change: c.1207C>T on transcript NM_000744.7 (MANE Select); coding-DNA position 1207, C replaced by T.
Protein change: p.Pro403Ser; replaces proline 403 with serine.
Molecular consequence: missense variant. On other transcripts: non-coding transcript variant (1).
Genome position (GRCh38, 1-based): chr20:63,350,204, G>A on the plus strand (C>T on the coding strand, the complement: CHRNA4 is on the minus strand). VCF-style: chr20-63350204-G-A. GRCh37 (hg19) VCF-style: chr20-61981556-G-A.
Other names: c.679C>T, p.Pro227Ser (NM_001256573.2); short protein forms P403S, P227S.
Identifiers: ClinVar variation 2334586 (VCV002334586.5), dbSNP rs903340563, ClinGen allele CA317432316.

ClinVar aggregate classification (germline): Uncertain significance. Review status: criteria provided, multiple submitters, no conflicts (2 of 4 stars). 2 submissions from 2 submitters: Uncertain significance (2). Last evaluated 2024-01-02.

Conditions:
Inborn genetic diseases. Identifiers: MedGen C0950123, MeSH D030342.
Familial sleep-related hypermotor epilepsy. Also called: Autosomal Dominant Sleep-Related Hypermotor (Hyperkinetic) Epilepsy. Identifiers: Orphanet 98784, MedGen C3696898, MONDO:0000030.

Allele frequency attached by ClinVar (database versions not stated): gnomAD 0.00001; TOPMed below 0.00001.

Submissions (2):

Labcorp Genetics (formerly Invitae), Labcorp
Classification: Uncertain significance. Last evaluated: 2024-01-02. Review status: criteria provided, single submitter. Criteria: Invitae Variant Classification Sherloc (09022015). Collection method: clinical testing. Allele origin: germline.
Comment: This sequence change replaces proline, which is neutral and non-polar, with serine, which is neutral and polar, at codon 403 of the CHRNA4 protein (p.Pro403Ser). This variant is present in population databases (no rsID available, gnomAD 0.002%). This variant has not been reported in the literature in individuals affected with CHRNA4-related conditions. ClinVar contains an entry for this variant (Variation ID: 2334586). Advanced modeling of protein sequence and biophysical properties (such as structural, functional, and spatial information, amino acid conservation, physicochemical variation, residue mobility, and thermodynamic stability) performed at Invitae indicates that this missense variant is not expected to disrupt CHRNA4 protein function with a negative predictive value of 80%. In summary, the available evidence is currently insufficient to determine the role of this variant in disease. Therefore, it has been classified as a Variant of Uncertain Significance.

Ambry Genetics
Classification: Uncertain significance for Inborn genetic diseases. Last evaluated: 2022-12-13. Review status: criteria provided, single submitter. Criteria: Ambry Variant Classification Scheme 2023. Collection method: clinical testing. Allele origin: germline.